The following continues an entry in ClinVar:

NM_000051.4(ATM):c.6679C>T (p.Arg2227Cys)

ClinVar aggregate classification (germline): Pathogenic/Likely pathogenic. Pathogenic (20); Likely pathogenic (1). ClinVar aggregate classification (oncogenicity): Likely oncogenic.

Submissions 24 to 27 of 27:

Department of Pathology and Laboratory Medicine, Sinai Health System
Classification: Pathogenic. Review status: no assertion criteria provided. Collection method: clinical testing. Allele origin: unknown. Affected: yes. Study: The Canadian Open Genetics Repository (COGR). Not counted in ClinVar's aggregate classification.
Comment: The ATM p.Arg2227Cys variant was identified in 13 of 1078 proband chromosomes (frequency: 0.01206) from individuals or families with ataxia-telangiectasia (A-T) (Babaei_2005, Becker_Catania_2000, Buzin_2003, Chessa_2009, Gutierrez_Enriquez_2004, Li_2000, Meissner_2013, Sandoval_1999, Verhagen_2011). The variant was also identified in dbSNP (ID: rs564652222) as â€šÃ„ÃºWith Pathogenic alleleâ€šÃ„Ã¹, ClinVar (as pathogenic by GeneDx, Ambry Genetics, Invitae, Color Genomics, and Gene Reviews), Clinvitae (3x), and Cosmic (in haemotopoietic and lymphoid cancer and in salivary gland cancer). The variant was not identified in the MutDB, LOVD 3.0, or ATM-LOVD. The variant was not identified in the following control databases: the 1000 Genomes Project, the NHLBI GO Exome Sequencing Project, the Exome Aggregation Consortium (August 8th 2016), or the Genome Aggregation Database (Feb 27, 2017). Several functional studies of ATM protein levels in A-T patients showed the p.Arg2227Cys variant exhibited reduced ATM expression (Becker_Catania_2000, Mitui_2009). In one study, the variant was shown to co-segregate with three affected siblings (Meissner_2013). Computational studies have also reported the variant as deleterious (Doss_2012). A newborn screening study of infants with severe combined immunodeficiency has also identified the variant in an affected infant (Mallott_2013). The p.Arg2227 residue is conserved across mammals and other organisms, and computational analyses (PolyPhen-2, SIFT, AlignGVGD, BLOSUM, MutationTaster) suggest that the variant may impact the protein; however, this information is not predictive enough to assume pathogenicity. The variant occurs outside of the splicing consensus sequence and in silico or computational prediction software programs (SpliceSiteFinder, MaxEntScan, NNSPLICE, GeneSplicer, HumanSpliceFinder) do not predict a difference in splicing. In summary, based on the above information this variant meets our laboratoryâ€šÃ„Ã´s criteria to be classified as pathogenic.

Diagnostic Laboratory, Department of Genetics, University Medical Center Groningen
Classification: Pathogenic. Review status: no assertion criteria provided. Collection method: clinical testing. Allele origin: germline. Affected: yes. Study: VKGL Data-share Consensus. Not counted in ClinVar's aggregate classification.

GeneReviews
No classification provided. Condition: Ataxia-telangiectasia syndrome. Review status: no classification provided. Collection method: literature only. Allele origin: germline. Affected: yes. Not counted in ClinVar's aggregate classification.

Joint Genome Diagnostic Labs from Nijmegen and Maastricht, Radboudumc and MUMC+
Classification: Pathogenic. Review status: no assertion criteria provided. Collection method: clinical testing. Allele origin: germline. Affected: yes. Study: VKGL Data-share Consensus. Not counted in ClinVar's aggregate classification.

Literature cited by the submitters: PubMed 12552559 (cited by 6 submitters); PubMed 15843990 (cited by 4 submitters); PubMed 16380133 (cited by 5 submitters); PubMed 18504682 (cited by 3 submitters); PubMed 19691550 (cited by 3 submitters); PubMed 22213089 (cited by 3 submitters); PubMed 23264026 (cited by 3 submitters); PubMed 23640770 (cited by 7 submitters); PubMed 18634022 (cited by 7 submitters); PubMed 28126470 (cited by Natera, Inc. and Molecular Genetics, Royal Melbourne Hospital); PubMed 31921190 (cited by Natera, Inc.); PubMed 10817650 (cited by Ambry Genetics and Spanish ATM Cancer Susceptibility Variant Interpretation Working Group); PubMed 10873394 (cited by 3 submitters); PubMed 15101044 (cited by Ambry Genetics and Women's Health and Genetics/Laboratory Corporation of America, LabCorp); PubMed 22529920 (cited by Ambry Genetics); PubMed 29335925 (cited by Ambry Genetics and Color Diagnostics, LLC DBA Color Health); PubMed 30607632 (cited by 3 submitters); PubMed 9887333 (cited by 3 submitters); PubMed 28724467 (cited by Color Diagnostics, LLC DBA Color Health); PubMed 33471991 (cited by Color Diagnostics, LLC DBA Color Health); PubMed 21665257 (cited by Myriad Genetics, Inc. and 3billion); PubMed 32548172 (cited by Molecular Genetics, Royal Melbourne Hospital); PubMed 36119527 (cited by Molecular Genetics, Royal Melbourne Hospital); NCBI Bookshelf NBK26468 (cited by GeneReviews).